The following is an entry in ClinVar:

ClinVar aggregate classification (germline): Pathogenic (1 of 4 stars; one submission).

Conditions:
Tatton-Brown-Rahman overgrowth syndrome. Also called: Tall stature-intellectual disability-facial dysmorphism syndrome; Tatton-Brown-Rahman syndrome. Identifiers: Orphanet 404443, MedGen C4014545, MONDO:0014382, OMIM 615879.

Submission:

Labcorp Genetics (formerly Invitae), Labcorp
Classification: Pathogenic for Tatton-Brown-Rahman overgrowth syndrome. Last evaluated: 2025-11-12. Review status: criteria provided, single submitter. Criteria: Invitae Variant Classification Sherloc (09022015). Collection method: clinical testing. Allele origin: germline.
Comment: This sequence change creates a premature translational stop signal (p.Cys583Alafs*68) in the DNMT3A gene. It is expected to result in an absent or disrupted protein product. Loss-of-function variants in DNMT3A are known to be pathogenic (PMID: 24614070). This variant is not present in population databases (gnomAD no frequency). This variant has not been reported in the literature in individuals affected with DNMT3A-related conditions. For these reasons, this variant has been classified as Pathogenic.

Literature cited by the submitters: PubMed 24614070.

NM_022552.5(DNMT3A):c.1746del (p.Cys583fs)

Gene: DNMT3A (DNA methyltransferase 3 alpha; minus strand). Cytogenetic location: 2p23.3.
Variant type: Deletion.
Coding change: c.1746del on transcript NM_022552.5 (MANE Select); coding-DNA position 1746, one base deleted (C; older notation c.1746delC).
Protein change: p.Cys583fs; shifts the reading frame from cysteine 583.
Molecular consequence: frameshift variant. On other transcripts: non-coding transcript variant (1).
Genome position (GRCh38, 1-based): chr2:25,244,260, G deleted on the plus strand (C on the coding strand, the reverse complement: DNMT3A is on the minus strand). VCF-style (leftmost placement, unchanged base first): chr2-25244259-AG-A. GRCh37 (hg19) VCF-style: chr2-25467128-AG-A.
Other names: c.1290del, p.Cys431fs (NM_001320893.1); c.1077del, p.Cys360fs (NM_001375819.1); c.1179del, p.Cys394fs (NM_153759.3); c.1746del, p.Cys583fs (NM_175629.2); short protein forms C360fs, C394fs, C431fs, C583fs.
Identifiers: ClinVar variation 4724646 (VCV004724646.1).
Genomic context (GRCh38, chr2:25,244,259, plus strand): 5'-AGGGCCAGTCCTCTCGCCGCCGCAGCAGCCCGTAGGTACCCTTGTGCCCGCACATGTAGC[AG>A]TTCCAGGGGTCTTCCTTAATGGCTGCCTGGGCAGCCCCCGGCCCCACCAAGAGGTCCACA-3'